The following is an entry in ClinVar:

NM_000222.3(KIT):c.2479G>C (p.Gly827Arg)

Gene: KIT (KIT proto-oncogene, receptor tyrosine kinase; plus strand). Cytogenetic location: 4q12.
Variant type: single nucleotide variant.
Coding change: c.2479G>C on transcript NM_000222.3 (MANE Select); coding-DNA position 2479, G replaced by C.
Protein change: p.Gly827Arg; replaces glycine 827 with arginine.
Molecular consequence: missense variant.
Genome position (GRCh38, 1-based): chr4:54,733,187, G>C. VCF-style: chr4-54733187-G-C. GRCh37 (hg19) VCF-style: chr4-55599353-G-C.
Other names: c.2464G>C, p.Gly822Arg (NM_001385286.1); c.2470G>C, p.Gly824Arg (NM_001385288.1); c.2479G>C, p.Gly827Arg (NM_001385290.1); c.2467G>C, p.Gly823Arg (NM_001385292.1, NM_001093772.2); c.2482G>C, p.Gly828Arg (NM_001385284.1); c.2476G>C, p.Gly826Arg (NM_001385285.1); short protein forms G823R, G824R, G822R, G826R, G827R, G828R.
Identifiers: ClinVar variation 1994515 (VCV001994515.5), dbSNP rs2109802040, ClinGen allele CA356912063.
Genomic context (GRCh38, chr4:54,733,187, plus strand): 5'-AAGATTTGTGATTTTGGTCTAGCCAGAGACATCAAGAATGATTCTAATTATGTGGTTAAA[G>C]GAAACGTGAGTACCCATTCTCTGCTTGACAGTCCTGCAAAGGATTTTTAGTTTCAACTTT-3'
Protein context (NP_000213.1, residues 817-837): IKNDSNYVVK[Gly827Arg]NARLPVKWMA

ClinVar aggregate classification (germline): Uncertain significance. Review status: criteria provided, multiple submitters, no conflicts (2 of 4 stars). 2 submissions from 2 submitters: Uncertain significance (2). Last evaluated 2024-08-01.

Conditions:
Hereditary cancer-predisposing syndrome. Also called: Tumor predisposition; Hereditary Cancer Syndrome; Hereditary neoplastic syndrome; Neoplastic Syndromes, Hereditary. Identifiers: Orphanet 140162, MedGen C0027672, MeSH D009386, MONDO:0015356.
Gastrointestinal stromal tumor. Also called: Gastrointestinal stroma tumor; Gastrointestinal stromal tumor, somatic. Identifiers: Orphanet 44890, MedGen C0238198, MeSH D046152, MONDO:0011719, OMIM 606764, HP:0100723.

Submissions (2):

Ambry Genetics
Classification: Uncertain significance for Hereditary cancer-predisposing syndrome. Last evaluated: 2024-08-01. Review status: criteria provided, single submitter. Criteria: Ambry Variant Classification Scheme 2023. Collection method: clinical testing. Allele origin: germline.
Comment: The p.G827R variant (also known as c.2479G>C), located in coding exon 17 of the KIT gene, results from a G to C substitution at nucleotide position 2479. The glycine at codon 827 is replaced by arginine, an amino acid with dissimilar properties. This amino acid position is conserved. In addition, this alteration is predicted to be deleterious by in silico analysis. Based on the available evidence, the clinical significance of this variant remains unclear.

Labcorp Genetics (formerly Invitae), Labcorp
Classification: Uncertain significance for Gastrointestinal stromal tumor. Last evaluated: 2023-12-26. Review status: criteria provided, single submitter. Criteria: Invitae Variant Classification Sherloc (09022015). Collection method: clinical testing. Allele origin: germline.
Comment: This sequence change replaces glycine, which is neutral and non-polar, with arginine, which is basic and polar, at codon 827 of the KIT protein (p.Gly827Arg). This variant is not present in population databases (gnomAD no frequency). This variant has not been reported in the literature in individuals affected with KIT-related conditions. ClinVar contains an entry for this variant (Variation ID: 1994515). An algorithm developed to predict the effect of missense changes on protein structure and function (PolyPhen-2) suggests that this variant is likely to be disruptive. In summary, the available evidence is currently insufficient to determine the role of this variant in disease. Therefore, it has been classified as a Variant of Uncertain Significance.